The following is an entry in ClinVar:

NM_000277.3(PAH):c.926C>T (p.Ala309Val)

Gene: PAH (phenylalanine hydroxylase; minus strand). Cytogenetic location: 12q23.2.
Variant type: single nucleotide variant.
Coding change: c.926C>T on transcript NM_000277.3 (MANE Select); coding-DNA position 926, C replaced by T.
Protein change: p.Ala309Val; replaces alanine 309 with valine.
Molecular consequence: missense variant.
Genome position (GRCh38, 1-based): chr12:102,846,938, G>A on the plus strand (C>T on the coding strand, the complement: PAH is on the minus strand). VCF-style: chr12-102846938-G-A. GRCh37 (hg19) VCF-style: chr12-103240716-G-A.
Other names: NM_000277.1(PAH):c.926C>T; c.926C>T, p.Ala309Val (NM_001354304.2); c.926C>T (NM_001354304.1, NM_000277.2); short protein forms A309V.
Identifiers: ClinVar variation 92753 (VCV000092753.27), dbSNP rs62642935, ClinGen allele CA220592.
Genomic context (GRCh38, chr12:102,846,938, plus strand): 5'-GGAGAGAAGGGACTTACTGTGGCGAGCTTTTCAATGTATTCATCAGGTGCACCCAGAGAG[G>A]CAAGGCCAATTTCCTGTAATTGGGGGAAAATAGAACCTGTTCTGTTCCTGTAATTGGAAC-3'
Protein context (NP_000268.1, residues 299-319): FAQFSQEIGL[Ala309Val]SLGAPDEYIE

ClinVar aggregate classification (germline): Pathogenic. Review status: reviewed by expert panel (3 of 4 stars). 10 submissions from 10 submitters: Pathogenic (1). 9 of the submissions do not count toward it. Last evaluated 2018-08-10.

Conditions:
PAH-related disorder. Also called: PAH-related condition.
Phenylketonuria (PKU). Also called: Phenylketonuria (PKU); OLIGOPHRENIA PHENYLPYRUVICA; Phenylketonurias; FOLLING DISEASE. Identifiers: Orphanet 716, MedGen C0031485, MONDO:0009861, OMIM 261600. Disease mechanism: loss of function.

Allele frequency attached by ClinVar (database versions not stated): gnomAD 0.00001; TOPMed 0.00001; ESP Exome Variant Server 0.00008; ExAC 0.00001.
gnomAD v4.1: 37 of 1,613,432 alleles (0.0023%); highest among the groups gnomAD compares: Non-Finnish European, 0.003%; no homozygotes.

Submissions (10):

ClinGen PAH Variant Curation Expert Panel
Classification: Pathogenic for Phenylketonuria. Last evaluated: 2018-08-10. Review status: reviewed by expert panel. Criteria: ClinGen PAH ACMG Specifications v1. Collection method: curation. Allele origin: germline. Inheritance: Autosomal recessive inheritance.
Comment: PAH-specific ACMG/AMP criteria applied: PM2: Low frequency. 1.0e-5; PP3: All databases agree on damaging effect. REVEL=0.921; PS3: Enzyme activity = 30% (Ho, 2008) (PMID:18590700); PM3: Single patient with classic PKU, c.842C>T (pathogenic in ClinVar) / c.926C>T (PMID:26666653); PP4: Single patient with classic PKU (>1200umol/L), BH4 defect not excluded (PMID:26666653). In summary this variant meets criteria to be classified as pathogenic for phenylketonuria in an autosomal recessive manner based on the ACMG/AMP criteria applied as specified by the PAH Expert Panel: (PM2, PP3, PS3, PM3, PP4).

Labcorp Genetics (formerly Invitae), Labcorp
Classification: Pathogenic for Phenylketonuria. Last evaluated: 2025-12-03. Review status: criteria provided, single submitter. Criteria: Invitae Variant Classification Sherloc (09022015). Collection method: clinical testing. Allele origin: germline. Not counted in ClinVar's aggregate classification.
Comment: This sequence change replaces alanine, which is neutral and non-polar, with valine, which is neutral and non-polar, at codon 309 of the PAH protein (p.Ala309Val). This variant is present in population databases (rs62642935, gnomAD 0.003%). This missense change has been observed in individual(s) with PKU (PMID: 12655546, 21871829, 26666653, 27121329). ClinVar contains an entry for this variant (Variation ID: 92753). Invitae Evidence Modeling of protein sequence and biophysical properties (such as structural, functional, and spatial information, amino acid conservation, physicochemical variation, residue mobility, and thermodynamic stability) indicates that this missense variant is not expected to disrupt PAH protein function with a negative predictive value of 80%. Experimental studies have shown that this missense change affects PAH function (PMID: 12655546, 15459954, 16504182). For these reasons, this variant has been classified as Pathogenic.

Natera, Inc.
Classification: Pathogenic for Phenylketonuria. Last evaluated: 2025-11-05. Review status: criteria provided, single submitter. Criteria: Natera Variant Classification Schema (03/2026). Collection method: clinical testing. Allele origin: germline. Not counted in ClinVar's aggregate classification.
Comment: The c.926C>T variant in PAH is a missense variant predicted to cause substitution of alanine to valine at amino acid 309. This variant is rare in the general population with a frequency below the threshold expected for the associated phenotype(s). This variant has been observed in one or more individuals affected with the associated recessive disease, as either homozygous or compound heterozygous with a second variant (PMID: 27121329). Computational prediction algorithms indicate this variant is likely to affect gene or protein function. Given the available evidence, this variant is classified as Pathogenic.

GeneDx
Classification: Pathogenic. Last evaluated: 2023-10-05. Review status: criteria provided, single submitter. Criteria: GeneDx Variant Classification Process June 2021. Collection method: clinical testing. Allele origin: germline. Affected: yes. Not counted in ClinVar's aggregate classification.
Comment: Not observed at a significant frequency in large population cohorts (gnomAD); In silico analysis supports that this missense variant has a deleterious effect on protein structure/function; Classified as responsive to tetrahydrobiopterin (BH4) therapy (Zurflh et al., 2008; Aldmiz- Echevarra et al., 2016); This variant is associated with the following publications: (PMID: 23559577, 16051511, 8830172, 16091306, 10679941, 15459954, 8533759, 25087612, 21953985, 8268925, 16504182, 15464430, 10234516, 26990548, 32668217, 31589614, 32778825, 12655546, 17935162, 33465300, 30037505, 27121329)

Women's Health and Genetics/Laboratory Corporation of America, LabCorp
Classification: Pathogenic for Phenylketonuria. Last evaluated: 2021-07-19. Review status: criteria provided, single submitter. Criteria: LabCorp Variant Classification Summary - May 2015. Collection method: clinical testing. Allele origin: germline. Not counted in ClinVar's aggregate classification.
Comment: Variant summary: PAH c.926C>T (p.Ala309Val) results in a non-conservative amino acid change located in the Aromatic amino acid hydroxylase, C-terminal domain (IPR019774) of the encoded protein sequence. Five of five in-silico tools predict a damaging effect of the variant on protein function. The variant allele was found at a frequency of 1.6e-05 in 251284 control chromosomes. c.926C>T has been reported in the literature in multiple individuals affected with Phenylalanine Hydroxylase Deficiency (Phenylketonuria) (example, Hennermann_2000, Ley_2003, Dobrowolski_2007, Rivera_2011, Aldamiz-Echevarria_2016). These data indicate that the variant is very likely to be associated with disease. Multiple publications report experimental evidence evaluating an impact on protein function. The most pronounced variant effect results in reduced enzyme activity, folding defect causing reduced stability and accelarated degradation (example, Ley_2003, Aldamiz-Echevarria_2016). Multiple clinical diagnostic laboratories and an expert panel (ClinGen PAH Variant Curation Expert Panel) have submitted clinical-significance assessments for this variant to ClinVar after 2014 without evidence for independent evaluation. All submitters classified the variant as pathogenic (n=4)/likely pathogenic (n=1). Based on the evidence outlined above, the variant was classified as pathogenic.

Eurofins Ntd Llc (ga)
Classification: Pathogenic. Last evaluated: 2012-08-07. Review status: criteria provided, single submitter. Criteria: EGL Classification Definitions 2015. Collection method: clinical testing. Allele origin: germline. Observed: 2 variant alleles, 2 heterozygotes. Not counted in ClinVar's aggregate classification.

Juno Genomics, Hangzhou Juno Genomics, Inc
Classification: Pathogenic for Phenylketonuria. Review status: criteria provided, single submitter. Criteria: ACMG Guidelines, 2015. Collection method: clinical testing. Allele origin: germline. Not counted in ClinVar's aggregate classification.
Comment: Absent from controls (or at extremely low frequency if recessive) in Genome Aggregation Database.;Novel missense change at an amino acid residue where a different missense change determined to be pathogenic has been seen before.;Multiple lines of computational evidence support a deleterious effect on the gene or gene product.;For recessive disorders, detected in trans with a pathogenic variant.

PreventionGenetics, part of Exact Sciences
Classification: Pathogenic for PAH-related condition. Last evaluated: 2024-09-29. Review status: no assertion criteria provided. Collection method: clinical testing. Allele origin: germline. Not counted in ClinVar's aggregate classification.
Comment: The PAH c.926C>T variant is predicted to result in the amino acid substitution p.Ala309Val. This variant has been reported as causative for phenylalanine hydroxylase deficiency (Guldberg et al. 1993. PubMed ID: 8268925; Romano et al. 1996. PubMed ID: 8830172; Zschocke et al. 1995. PubMed ID: 8533759; Jeannesson-Thivisol et al. 2015. PubMed ID: 26666653). This variant has been reported to reduce PAH enzyme activity to less than 50% of that of the wild-type protein (Ho et al. 2008. PubMed ID: 18590700; Zurflüh et al. 2008. PubMed ID: 17935162). Several other laboratories as well as the ClinGen PAH Variant Curation Expert Panel classify this variant as pathogenic. This variant is interpreted as pathogenic.

Counsyl
Classification: Likely pathogenic for Phenylketonuria. Last evaluated: 2016-10-20. Review status: no assertion criteria provided. Collection method: clinical testing. Allele origin: unknown. Not counted in ClinVar's aggregate classification.

DeBelle Laboratory for Biochemical Genetics, MUHC/MCH RESEARCH INSTITUTE
No classification provided. Review status: no classification provided. Collection method: not provided. Allele origin: not provided. Not counted in ClinVar's aggregate classification.

Literature cited by the submitters: PubMed 26666653 (cited by 3 submitters); PubMed 18590700 (cited by ClinGen PAH Variant Curation Expert Panel and Counsyl); PubMed 12655546 (cited by 3 submitters); PubMed 21871829 (cited by Labcorp Genetics (formerly Invitae), Labcorp and Women's Health and Genetics/Laboratory Corporation of America, LabCorp); PubMed 27121329 (cited by 4 submitters); PubMed 15459954 (cited by Labcorp Genetics (formerly Invitae), Labcorp and Counsyl); PubMed 16504182 (cited by Labcorp Genetics (formerly Invitae), Labcorp); PubMed 17502162 (cited by Women's Health and Genetics/Laboratory Corporation of America, LabCorp); PubMed 23430918 (cited by Women's Health and Genetics/Laboratory Corporation of America, LabCorp); PubMed 10679941 (cited by Women's Health and Genetics/Laboratory Corporation of America, LabCorp and Counsyl); PubMed 30159852 (cited by Women's Health and Genetics/Laboratory Corporation of America, LabCorp); PubMed 24350308 (cited by Counsyl); PubMed 17924342 (cited by Counsyl); PubMed 8268925 (cited by Counsyl); PubMed 21953985 (cited by Counsyl); PubMed 8533759 (cited by Counsyl).